The following is an entry in ClinVar:

NM_000829.4(GRIA4):c.1013C>T (p.Pro338Leu)

Gene: GRIA4 (glutamate ionotropic receptor AMPA type subunit 4; plus strand). Cytogenetic location: 11q22.3.
Variant type: single nucleotide variant.
Coding change: c.1013C>T on transcript NM_000829.4 (MANE Select); coding-DNA position 1013, C replaced by T.
Protein change: p.Pro338Leu; replaces proline 338 with leucine.
Molecular consequence: missense variant. On other transcripts: non-coding transcript variant (1).
Genome position (GRCh38, 1-based): chr11:105,903,941, C>T. VCF-style: chr11-105903941-C-T. GRCh37 (hg19) VCF-style: chr11-105774667-C-T.
Other names: c.1013C>T, p.Pro338Leu (NM_001077243.3, NM_001077244.2, NM_001112812.2 and 20 more transcripts); short protein forms P338L.
Identifiers: ClinVar variation 4531091 (VCV004531091.1).

ClinVar aggregate classification (germline): Uncertain significance (1 of 4 stars; one submission).

gnomAD v4.1: 2 of 1,613,280 alleles (0.00012%); highest among the groups gnomAD compares: Admixed American, 0.0033%; no homozygotes.

Submission:

GeneDx
Classification: Uncertain significance. Last evaluated: 2025-05-19. Review status: criteria provided, single submitter. Criteria: GeneDx Variant Classification Process June 2021. Collection method: clinical testing. Allele origin: germline. Affected: yes.
Comment: In silico analysis supports that this missense variant has a deleterious effect on protein structure/function; Has not been previously published as pathogenic or benign to our knowledge